The following is an entry in ClinVar:

NM_000199.5(SGSH):c.956C>T (p.Thr319Met)

Gene: SGSH (N-sulfoglucosamine sulfohydrolase; minus strand). Cytogenetic location: 17q25.3.
Variant type: single nucleotide variant.
Coding change: c.956C>T on transcript NM_000199.5 (MANE Select); coding-DNA position 956, C replaced by T.
Protein change: p.Thr319Met; replaces threonine 319 with methionine.
Molecular consequence: missense variant. On other transcripts: 3 prime UTR variant (2), non-coding transcript variant (1).
Genome position (GRCh38, 1-based): chr17:80,211,005, G>A on the plus strand (C>T on the coding strand, the complement: SGSH is on the minus strand). VCF-style: chr17-80211005-G-A. GRCh37 (hg19) VCF-style: chr17-78184804-G-A.
Other names: c.956C>T (NM_000199.3); c.*43C>T (NM_001352921.3); c.*6C>T (NM_001352922.2); short protein forms T319M.
Identifiers: ClinVar variation 2202528 (VCV002202528.2), dbSNP rs1460962656, ClinGen allele CA401359443.

ClinVar aggregate classification (germline): Uncertain significance. Review status: criteria provided, multiple submitters, no conflicts (2 of 4 stars). 2 submissions from 2 submitters: Uncertain significance (2). Last evaluated 2022-08-24.

Conditions:
Inborn genetic diseases. Identifiers: MedGen C0950123, MeSH D030342.
Mucopolysaccharidosis, MPS-III-A (MPS3A). Also called: HEPARAN SULFATE SULFATASE DEFICIENCY; SANFILIPPO SYNDROME A; SULFAMIDASE DEFICIENCY; MPS III A; MUCOPOLYSACCHARIDOSIS, TYPE IIIA, ATTENUATED; Mucopolysaccharidosis type IIIA (Sanfilippo A). Identifiers: Orphanet 581, Orphanet 79269, MedGen C0086647, MONDO:0009655, OMIM 252900.

Allele frequency attached by ClinVar (database versions not stated): gnomAD exomes below 0.00001; gnomAD 0.00001.
gnomAD v4.1: 5 of 1,598,406 alleles (0.00031%); highest among the groups gnomAD compares: South Asian, 0.0011%; no homozygotes.

Submissions (2):

Labcorp Genetics (formerly Invitae), Labcorp
Classification: Uncertain significance for Mucopolysaccharidosis, MPS-III-A. Last evaluated: 2022-08-24. Review status: criteria provided, single submitter. Criteria: Invitae Variant Classification Sherloc (09022015). Collection method: clinical testing. Allele origin: germline.
Comment: This sequence change replaces threonine, which is neutral and polar, with methionine, which is neutral and non-polar, at codon 319 of the SGSH protein (p.Thr319Met). The frequency data for this variant in the population databases is considered unreliable, as metrics indicate poor data quality at this position in the gnomAD database. This variant has not been reported in the literature in individuals affected with SGSH-related conditions. Algorithms developed to predict the effect of missense changes on protein structure and function output the following: SIFT: "Tolerated"; PolyPhen-2: "Benign"; Align-GVGD: "Class C0". The methionine amino acid residue is found in multiple mammalian species, which suggests that this missense change does not adversely affect protein function. In summary, the available evidence is currently insufficient to determine the role of this variant in disease. Therefore, it has been classified as a Variant of Uncertain Significance.

Ambry Genetics
Classification: Uncertain significance for Inborn genetic diseases. Last evaluated: 2022-06-21. Review status: criteria provided, single submitter. Criteria: Ambry Variant Classification Scheme 2023. Collection method: clinical testing. Allele origin: germline.